The following is an entry in ClinVar:

ClinVar aggregate classification (germline): Uncertain significance (1 of 4 stars; one submission).

Submission:

GeneDx
Classification: Uncertain significance. Last evaluated: 2024-12-15. Review status: criteria provided, single submitter. Criteria: GeneDx Variant Classification Process June 2021. Collection method: clinical testing. Allele origin: germline. Affected: yes.
Comment: Not observed at significant frequency in large population cohorts (gnomAD); In silico analysis supports that this missense variant has a deleterious effect on protein structure/function; Has not been previously published as pathogenic or benign to our knowledge; This variant is associated with the following publications: (PMID: 25471517)

NM_005051.3(QARS1):c.946A>C (p.Thr316Pro)

Gene: QARS1 (glutaminyl-tRNA synthetase 1; minus strand). Cytogenetic location: 3p21.31.
Variant type: single nucleotide variant.
Coding change: c.946A>C on transcript NM_005051.3 (MANE Select); coding-DNA position 946, A replaced by C.
Protein change: p.Thr316Pro; replaces threonine 316 with proline.
Molecular consequence: missense variant. On other transcripts: non-coding transcript variant (1).
Genome position (GRCh38, 1-based): chr3:49,100,605, T>G on the plus strand (A>C on the coding strand, the complement: QARS1 is on the minus strand). VCF-style: chr3-49100605-T-G. GRCh37 (hg19) VCF-style: chr3-49138038-T-G.
Other names: c.913A>C, p.Thr305Pro (NM_001272073.2); short protein forms T305P, T316P.
Identifiers: ClinVar variation 3903166 (VCV003903166.1).